The following is an entry in ClinVar:

ClinVar aggregate classification (germline): Uncertain significance. Review status: criteria provided, multiple submitters, no conflicts (2 of 4 stars). 2 submissions from 2 submitters: Uncertain significance (2). Last evaluated 2024-05-22.

Allele frequency attached by ClinVar (database versions not stated): TOPMed 0.00002.
gnomAD v4.1: 9 of 1,605,244 alleles (0.00056%); highest among the groups gnomAD compares: Admixed American, 0.0067%; no homozygotes.

Submissions (2):

Labcorp Genetics (formerly Invitae), Labcorp
Classification: Uncertain significance. Last evaluated: 2024-05-22. Review status: criteria provided, single submitter. Criteria: Invitae Variant Classification Sherloc (09022015). Collection method: clinical testing. Allele origin: germline.
Comment: This sequence change replaces glutamic acid, which is acidic and polar, with lysine, which is basic and polar, at codon 296 of the LZTS1 protein (p.Glu296Lys). This variant is present in population databases (rs779973869, gnomAD 0.01%). This variant has not been reported in the literature in individuals affected with LZTS1-related conditions. ClinVar contains an entry for this variant (Variation ID: 2145548). Advanced modeling of protein sequence and biophysical properties (such as structural, functional, and spatial information, amino acid conservation, physicochemical variation, residue mobility, and thermodynamic stability) has been performed at Invitae for this missense variant, however the output from this modeling did not meet the statistical confidence thresholds required to predict the impact of this variant on LZTS1 protein function. In summary, the available evidence is currently insufficient to determine the role of this variant in disease. Therefore, it has been classified as a Variant of Uncertain Significance.

Ambry Genetics
Classification: Uncertain significance. Last evaluated: 2021-09-17. Review status: criteria provided, single submitter. Criteria: Ambry Variant Classification Scheme 2023. Collection method: clinical testing. Allele origin: germline.

NM_021020.5(LZTS1):c.886G>A (p.Glu296Lys)

Gene: LZTS1 (leucine zipper tumor suppressor 1; minus strand). Cytogenetic location: 8p21.3.
Variant type: single nucleotide variant.
Coding change: c.886G>A on transcript NM_021020.5 (MANE Select); coding-DNA position 886, G replaced by A.
Protein change: p.Glu296Lys; replaces glutamic acid 296 with lysine.
Molecular consequence: missense variant.
Genome position (GRCh38, 1-based): chr8:20,253,045, C>T on the plus strand (G>A on the coding strand, the complement: LZTS1 is on the minus strand). VCF-style: chr8-20253045-C-T. GRCh37 (hg19) VCF-style: chr8-20110556-C-T.
Other names: c.886G>A, p.Glu296Lys (NM_001362884.2); c.886G>A (NM_021020.2); short protein forms E296K.
Identifiers: ClinVar variation 2145548 (VCV002145548.5), dbSNP rs779973869, ClinGen allele CA4657416.
Genomic context (GRCh38, chr8:20,253,045, plus strand): 5'-TGTTGCCGCCTTTGGGCTCCGGGCCCTCCAGCTCGTCCCTGCAGCGCCGCGGCCGCTCCT[C>T]GTAGGCCAGGCTGGAGGCAAGCTCCTTCTCCTCAAAGCTGCGCTGCAGCTTCTGGAGGGC-3'
Protein context (NP_066300.1, residues 286-306): EKELASSLAY[Glu296Lys]ERPRRCRDEL